The following is an entry in ClinVar:

NM_014714.4(IFT140):c.1345G>A (p.Val449Met)

Genes: IFT140 (intraflagellar transport 140; minus strand), LOC105371046 (uncharacterized LOC105371046; plus strand). Cytogenetic location: 16p13.3.
Variant type: single nucleotide variant.
Coding change: c.1345G>A on transcript NM_014714.4 (MANE Select); coding-DNA position 1345, G replaced by A.
Protein change: p.Val449Met; replaces valine 449 with methionine.
Molecular consequence: missense variant.
Genome position (GRCh38, 1-based): chr16:1,584,231, C>T on the plus strand (G>A on the coding strand, the complement: IFT140 is on the minus strand). VCF-style: chr16-1584231-C-T. GRCh37 (hg19) VCF-style: chr16-1634232-C-T.
Other names: short protein forms V449M.
Identifiers: ClinVar variation 3342673 (VCV003342673.2).

ClinVar aggregate classification (germline): Uncertain significance. Review status: criteria provided, multiple submitters, no conflicts (2 of 4 stars). 2 submissions from 2 submitters: Uncertain significance (2). Last evaluated 2023-11-08.

gnomAD v4.1: 7 of 1,613,688 alleles (0.00043%); highest among the groups gnomAD compares: Middle Eastern, 0.05%; no homozygotes.

Submissions (2):

GeneDx
Classification: Uncertain significance. Last evaluated: 2023-11-08. Review status: criteria provided, single submitter. Criteria: GeneDx Variant Classification Process June 2021. Collection method: clinical testing. Allele origin: germline. Affected: yes.
Comment: Not observed at significant frequency in large population cohorts (gnomAD); In silico analysis supports that this missense variant does not alter protein structure/function; Has not been previously published as pathogenic or benign to our knowledge

Blueprint Genetics
Classification: Uncertain significance. Last evaluated: 2022-06-13. Review status: criteria provided, single submitter. Criteria: ACMG Guidelines, 2015. Collection method: clinical testing. Allele origin: germline.